The following is an entry in ClinVar:

NM_000245.4(MET):c.2055G>A (p.Gly685=)

Gene: MET (MET proto-oncogene, receptor tyrosine kinase; plus strand). Cytogenetic location: 7q31.2.
Variant type: single nucleotide variant.
Coding change: c.2055G>A on transcript NM_000245.4 (MANE Select); coding-DNA position 2055, G replaced by A.
Protein change: p.Gly685=; no amino-acid change (glycine 685 retained).
Molecular consequence: synonymous variant.
Genome position (GRCh38, 1-based): chr7:116,757,727, G>A. VCF-style: chr7-116757727-G-A. GRCh37 (hg19) VCF-style: chr7-116397781-G-A.
Other names: c.2055G>A, p.Gly685= (NM_001127500.3, NM_001324401.3); c.765G>A, p.Gly255= (NM_001324402.2).
Identifiers: ClinVar variation 1161076 (VCV001161076.12), dbSNP rs766401668, ClinGen allele CA4448366.
Genomic context (GRCh38, chr7:116,757,727, plus strand): 5'-ATACGGTCCTATGGCTGGTGGCACTTTACTTACTTTAACTGGAAATTACCTAAACAGTGG[G>A]AATTCTAGACACATTTCAATTGGTGGAAAAACATGTACTTTAAAAAGGTGTTGTAAATTT-3'
Protein context (NP_000236.2, residues 675-695): LTLTGNYLNS[Gly685=]NSRHISIGGK

ClinVar aggregate classification (germline): Benign/Likely benign. Review status: criteria provided, multiple submitters, no conflicts (2 of 4 stars). 3 submissions from 3 submitters: Benign (1); Likely benign (2). Last evaluated 2025-04-21.

Conditions:
Renal cell carcinoma. Identifiers: Orphanet 217071, MedGen C0007134, MeSH D002292, MONDO:0005086, HP:0005584.
Hereditary cancer-predisposing syndrome. Also called: Tumor predisposition; Neoplastic Syndromes, Hereditary; Hereditary Cancer Syndrome; Hereditary neoplastic syndrome. Identifiers: Orphanet 140162, MedGen C0027672, MeSH D009386, MONDO:0015356.
Papillary renal cell carcinoma type 1 (RCCP1). Also called: Renal adenocarcinoma; Renal cell carcinoma 1; Renal cell carcinoma, somatic; RENAL CELL CARCINOMA, PAPILLARY, 1, SOMATIC. Identifiers: Orphanet 47044, MedGen C1336839, OMIM 605074, HP:0011797.

Allele frequency attached by ClinVar (database versions not stated): gnomAD exomes below 0.00001; ExAC 0.00001; TOPMed 0.00002; gnomAD 0.00003.
gnomAD v4.1: 6 of 1,613,834 alleles (0.00037%); highest among the groups gnomAD compares: African/African-American, 0.008%; no homozygotes.

Submissions (3):

Labcorp Genetics (formerly Invitae), Labcorp
Classification: Likely benign for Renal cell carcinoma. Last evaluated: 2025-04-21. Review status: criteria provided, single submitter. Criteria: Invitae Variant Classification Sherloc (09022015). Collection method: clinical testing. Allele origin: germline.

Myriad Genetics, Inc.
Classification: Benign for Papillary renal cell carcinoma type 1. Last evaluated: 2024-11-08. Review status: criteria provided, single submitter. Criteria: Myriad Autosomal Dominant, Autosomal Recessive and X-Linked Classification Criteria (2023). Collection method: clinical testing. Allele origin: unknown.
Comment: This variant is considered benign. This variant is a silent/synonymous amino acid change and it is not expected to impact splicing.

Ambry Genetics
Classification: Likely benign for Hereditary cancer-predisposing syndrome. Last evaluated: 2022-04-04. Review status: criteria provided, single submitter. Criteria: Ambry Variant Classification Scheme 2023. Collection method: clinical testing. Allele origin: germline.